The following is an entry in ClinVar:

ClinVar aggregate classification (germline): Uncertain significance (1 of 4 stars; one submission).

Conditions:
Fanconi anemia (FA). Also called: Fanconi's anemia. Identifiers: Orphanet 84, MedGen C0015625, MeSH D005199, MONDO:0019391.

Submission:

Labcorp Genetics (formerly Invitae), Labcorp
Classification: Uncertain significance for Fanconi anemia. Last evaluated: 2024-10-12. Review status: criteria provided, single submitter. Criteria: Invitae Variant Classification Sherloc (09022015). Collection method: clinical testing. Allele origin: germline.
Comment: This sequence change replaces alanine, which is neutral and non-polar, with proline, which is neutral and non-polar, at codon 516 of the SLX4 protein (p.Ala516Pro). This variant is present in population databases (no rsID available, gnomAD 0.003%). This variant has not been reported in the literature in individuals affected with SLX4-related conditions. An algorithm developed to predict the effect of missense changes on protein structure and function (PolyPhen-2) suggests that this variant is likely to be disruptive. In summary, the available evidence is currently insufficient to determine the role of this variant in disease. Therefore, it has been classified as a Variant of Uncertain Significance.

NM_032444.4(SLX4):c.1546G>C (p.Ala516Pro)

Gene: SLX4 (SLX4 structure-specific endonuclease subunit; minus strand). Cytogenetic location: 16p13.3.
Variant type: single nucleotide variant.
Coding change: c.1546G>C on transcript NM_032444.4 (MANE Select); coding-DNA position 1546, G replaced by C.
Protein change: p.Ala516Pro; replaces alanine 516 with proline.
Molecular consequence: missense variant.
Genome position (GRCh38, 1-based): chr16:3,597,516, C>G on the plus strand (G>C on the coding strand, the complement: SLX4 is on the minus strand). VCF-style: chr16-3597516-C-G. GRCh37 (hg19) VCF-style: chr16-3647517-C-G.
Other names: short protein forms A516P.
Identifiers: ClinVar variation 3728094 (VCV003728094.2).
Genomic context (GRCh38, chr16:3,597,516, plus strand): 5'-GTGCGCTGCCCTCCCACAGAAAGCTCTGCTTGCGTTCAGGTGGAGGAGGACACTGGCCCG[C>G]TCTTTCCCACCCTTCCTTTAAAATCCTGCTGGCAGGAAGTGGTGGCGTGCTAGACAATTC-3'
Protein context (NP_115820.2, residues 506-526): SRILKEGWER[Ala516Pro]GQCPPPPERK